The following is an entry in ClinVar:

NM_001364171.2(ODAD1):c.2044A>G (p.Ser682Gly)

Gene: ODAD1 (outer dynein arm docking complex subunit 1; minus strand). Cytogenetic location: 19q13.33.
Variant type: single nucleotide variant.
Coding change: c.2044A>G on transcript NM_001364171.2 (MANE Select); coding-DNA position 2044, A replaced by G.
Protein change: p.Ser682Gly; replaces serine 682 with glycine.
Molecular consequence: missense variant.
Genome position (GRCh38, 1-based): chr19:48,297,056, T>C on the plus strand (A>G on the coding strand, the complement: ODAD1 is on the minus strand). VCF-style: chr19-48297056-T-C. GRCh37 (hg19) VCF-style: chr19-48800313-T-C.
Other names: c.1933A>G, p.Ser645Gly (NM_144577.4); short protein forms S645G, S682G.
Identifiers: ClinVar variation 1800041 (VCV001800041.2), dbSNP rs2515923528, ClinGen allele CA406651054.

ClinVar aggregate classification (germline): Uncertain significance (1 of 4 stars; one submission).

Conditions:
Primary ciliary dyskinesia. Also called: Ciliary dyskinesia. Identifiers: Orphanet 244, MedGen C0008780, MONDO:0016575, HP:0012265.

Allele frequency attached by ClinVar (database versions not stated): gnomAD exomes below 0.00001.
gnomAD v4.1: 5 of 1,612,922 alleles (0.00031%); highest among the groups gnomAD compares: Non-Finnish European, 0.00042%; no homozygotes.

Submission:

Ambry Genetics
Classification: Uncertain significance for Primary ciliary dyskinesia. Last evaluated: 2022-05-06. Review status: criteria provided, single submitter. Criteria: Ambry Variant Classification Scheme 2023. Collection method: clinical testing. Allele origin: germline.
Comment: The p.S645G variant (also known as c.1933A>G), located in coding exon 13 of the CCDC114 gene, results from an A to G substitution at nucleotide position 1933. The serine at codon 645 is replaced by glycine, an amino acid with similar properties. This amino acid position is conserved. In addition, this alteration is predicted to be tolerated by in silico analysis. Since supporting evidence is limited at this time, the clinical significance of this alteration remains unclear.